The following is an entry in ClinVar:

ClinVar aggregate classification (germline): Likely benign. Review status: criteria provided, single submitter (1 of 4 stars). 2 submissions from 2 submitters: Likely benign (1). 1 of the submissions does not count toward it. Last evaluated 2025-03-20.

Conditions:
DNAH9-related disorder. Also called: DNAH9-related condition.

Allele frequency attached by ClinVar (database versions not stated): TOPMed 0.00001; gnomAD exomes 0.00001; ExAC 0.00002.
gnomAD v4.1: 6 of 1,614,160 alleles (0.00037%); highest among the groups gnomAD compares: Admixed American, 0.01%; no homozygotes.

Submissions (2):

Labcorp Genetics (formerly Invitae), Labcorp
Classification: Likely benign. Last evaluated: 2025-03-20. Review status: criteria provided, single submitter. Criteria: Invitae Variant Classification Sherloc (09022015). Collection method: clinical testing. Allele origin: germline.

PreventionGenetics, part of Exact Sciences
Classification: Likely benign for DNAH9-related condition. Last evaluated: 2021-06-17. Review status: no assertion criteria provided. Collection method: clinical testing. Allele origin: germline. Not counted in ClinVar's aggregate classification.
Comment: This variant is classified as likely benign based on ACMG/AMP sequence variant interpretation guidelines (Richards et al. 2015 PMID: 25741868, with internal and published modifications).

NM_001372.4(DNAH9):c.6942A>G (p.Leu2314=)

Gene: DNAH9 (dynein axonemal heavy chain 9; plus strand). Cytogenetic location: 17p12.
Variant type: single nucleotide variant.
Coding change: c.6942A>G on transcript NM_001372.4 (MANE Select); coding-DNA position 6942, A replaced by G.
Protein change: p.Leu2314=; no amino-acid change (leucine 2314 retained).
Molecular consequence: synonymous variant.
Genome position (GRCh38, 1-based): chr17:11,757,639, A>G. VCF-style: chr17-11757639-A-G. GRCh37 (hg19) VCF-style: chr17-11660956-A-G.
Identifiers: ClinVar variation 3051433 (VCV003051433.4), dbSNP rs757967025, ClinGen allele CA8396471.